The following is an entry in ClinVar:

ClinVar aggregate classification (germline): Uncertain significance (1 of 4 stars; one submission).

Allele frequency attached by ClinVar (database versions not stated): gnomAD 0.00001; TOPMed 0.00001.
gnomAD v4.1: 2 of 1,614,072 alleles (0.00012%); highest among the groups gnomAD compares: African/African-American, 0.0013%; no homozygotes.

Submission:

GeneDx
Classification: Uncertain significance. Last evaluated: 2022-08-15. Review status: criteria provided, single submitter. Criteria: GeneDx Variant Classification Process June 2021. Collection method: clinical testing. Allele origin: germline. Affected: yes.
Comment: Not observed at significant frequency in large population cohorts (gnomAD); In silico analysis supports that this missense variant does not alter protein structure/function; Has not been previously published as pathogenic or benign to our knowledge

NM_015001.3(SPEN):c.5020G>A (p.Val1674Met)

Gene: SPEN (spen family transcriptional repressor; plus strand). Cytogenetic location: 1p36.13.
Variant type: single nucleotide variant.
Coding change: c.5020G>A on transcript NM_015001.3 (MANE Select); coding-DNA position 5020, G replaced by A.
Protein change: p.Val1674Met; replaces valine 1674 with methionine.
Molecular consequence: missense variant.
Genome position (GRCh38, 1-based): chr1:15,931,260, G>A. VCF-style: chr1-15931260-G-A. GRCh37 (hg19) VCF-style: chr1-16257755-G-A.
Other names: short protein forms V1674M.
Identifiers: ClinVar variation 2430473 (VCV002430473.1), dbSNP rs780207641, ClinGen allele CA338619510.